The following is an entry in ClinVar:

NM_021074.5(NDUFV2):c.28C>T (p.Arg10Trp)

Genes: NDUFV2 (NADH:ubiquinone oxidoreductase core subunit V2; plus strand), LOC130062145 (ATAC-STARR-seq lymphoblastoid silent region 9277; plus strand). Cytogenetic location: 18p11.22.
Variant type: single nucleotide variant.
Coding change: c.28C>T on transcript NM_021074.5 (MANE Select); coding-DNA position 28, C replaced by T.
Protein change: p.Arg10Trp; replaces arginine 10 with tryptophan.
Molecular consequence: missense variant.
Genome position (GRCh38, 1-based): chr18:9,102,771, C>T. VCF-style: chr18-9102771-C-T. GRCh37 (hg19) VCF-style: chr18-9102769-C-T.
Other names: short protein forms R10W.
Identifiers: ClinVar variation 2663557 (VCV002663557.1), dbSNP rs760685057, ClinGen allele CA402021995.

ClinVar aggregate classification (germline): Uncertain significance (1 of 4 stars; one submission).

gnomAD v4.1: 6 of 1,583,710 alleles (0.00038%); highest among the groups gnomAD compares: South Asian, 0.0023%; no homozygotes.

Submission:

GeneDx
Classification: Uncertain significance. Last evaluated: 2023-04-21. Review status: criteria provided, single submitter. Criteria: GeneDx Variant Classification Process June 2021. Collection method: clinical testing. Allele origin: germline. Affected: yes.
Comment: Not observed at significant frequency in large population cohorts (gnomAD); In silico analysis supports that this missense variant does not alter protein structure/function; Has not been previously published as pathogenic or benign to our knowledge